The following is an entry in ClinVar:

NM_005751.5(AKAP9):c.4432C>T (p.His1478Tyr)

Gene: AKAP9 (A-kinase anchoring protein 9; plus strand). Cytogenetic location: 7q21.2.
Variant type: single nucleotide variant.
Coding change: c.4432C>T on transcript NM_005751.5 (MANE Select); coding-DNA position 4432, C replaced by T.
Protein change: p.His1478Tyr; replaces histidine 1478 with tyrosine.
Molecular consequence: missense variant.
Genome position (GRCh38, 1-based): chr7:92,038,512, C>T. VCF-style: chr7-92038512-C-T. GRCh37 (hg19) VCF-style: chr7-91667826-C-T.
Other names: c.4432C>T, p.His1478Tyr (NM_147185.3); short protein forms H1478Y.
Identifiers: ClinVar variation 3849469 (VCV003849469.1).

ClinVar aggregate classification (germline): Uncertain significance (1 of 4 stars; one submission).

Conditions:
Cardiovascular phenotype. Identifiers: MedGen CN230736.

Submission:

Ambry Genetics
Classification: Uncertain significance for Cardiovascular phenotype. Last evaluated: 2025-01-21. Review status: criteria provided, single submitter. Criteria: Ambry Variant Classification Scheme 2023. Collection method: clinical testing. Allele origin: germline.
Comment: The p.H1478Y variant (also known as c.4432C>T), located in coding exon 17 of the AKAP9 gene, results from a C to T substitution at nucleotide position 4432. The histidine at codon 1478 is replaced by tyrosine, an amino acid with similar properties. This amino acid position is conserved. In addition, this alteration is predicted to be tolerated by in silico analysis. Based on the available evidence, the clinical significance of this variant remains unclear.